The following is an entry in ClinVar:

NM_000516.7(GNAS):c.746C>T (p.Ala249Val)

Gene: GNAS (GNAS complex locus; plus strand). Cytogenetic location: 20q13.32.
Variant type: single nucleotide variant.
Coding change: c.746C>T on transcript NM_000516.7 (MANE Select); coding-DNA position 746, C replaced by T.
Protein change: p.Ala249Val; replaces alanine 249 with valine.
Molecular consequence: missense variant. On other transcripts: 3 prime UTR variant (2).
Genome position (GRCh38, 1-based): chr20:58,909,711, C>T. VCF-style: chr20-58909711-C-T. GRCh37 (hg19) VCF-style: chr20-57484766-C-T.
Other names: c.749C>T, p.Ala250Val (NM_001077488.5); c.701C>T, p.Ala234Val (NM_001077489.4); c.*607C>T (NM_001077490.3); c.569C>T, p.Ala190Val (NM_001309840.2, NM_001309861.2); c.650C>T, p.Ala217Val (NM_001410912.1); c.2630C>T, p.Ala877Val (NM_001410913.1); c.*652C>T (NM_016592.5); c.2675C>T, p.Ala892Val (NM_080425.4); and 1 more; short protein forms A235V, A249V, A877V, A217V, A190V, A234V, A250V, A892V.
Identifiers: ClinVar variation 3708275 (VCV003708275.2).
Genomic context (GRCh38, chr20:58,909,711, plus strand): 5'-CTCACGCTCTTGGCTTTGCTCTCTTTGGTTAAGATGTGACTGCCATCATCTTCGTGGTGG[C>T]CAGCAGCAGCTACAACATGGTCATCCGGGAGGACAACCAGACCAACCGCCTGCAGGAGGC-3'
Protein context (NP_000507.1, residues 239-259): NDVTAIIFVV[Ala249Val]SSSYNMVIRE

ClinVar aggregate classification (germline): Uncertain significance (1 of 4 stars; one submission).

Submission:

Labcorp Genetics (formerly Invitae), Labcorp
Classification: Uncertain significance. Last evaluated: 2024-11-19. Review status: criteria provided, single submitter. Criteria: Invitae Variant Classification Sherloc (09022015). Collection method: clinical testing. Allele origin: germline.
Comment: This sequence change replaces alanine, which is neutral and non-polar, with valine, which is neutral and non-polar, at codon 249 of the GNAS protein (p.Ala249Val). This variant is not present in population databases (gnomAD no frequency). This variant has not been reported in the literature in individuals affected with GNAS-related conditions. Invitae Evidence Modeling of protein sequence and biophysical properties (such as structural, functional, and spatial information, amino acid conservation, physicochemical variation, residue mobility, and thermodynamic stability) indicates that this missense variant is expected to disrupt GNAS protein function with a positive predictive value of 80%. In summary, the available evidence is currently insufficient to determine the role of this variant in disease. Therefore, it has been classified as a Variant of Uncertain Significance.